The following is an entry in ClinVar:

NM_006206.6(PDGFRA):c.1443G>A (p.Arg481=)

Gene: PDGFRA (platelet derived growth factor receptor alpha; plus strand). Cytogenetic location: 4q12.
Variant type: single nucleotide variant.
Coding change: c.1443G>A on transcript NM_006206.6 (MANE Select); coding-DNA position 1443, G replaced by A.
Protein change: p.Arg481=; no amino-acid change (arginine 481 retained).
Molecular consequence: synonymous variant.
Genome position (GRCh38, 1-based): chr4:54,273,615, G>A. VCF-style: chr4-54273615-G-A. GRCh37 (hg19) VCF-style: chr4-55139782-G-A.
Other names: c.1443G>A, p.Arg481= (NM_001347827.2, NM_001347829.2); c.1518G>A, p.Arg506= (NM_001347828.2); c.1482G>A, p.Arg494= (NM_001347830.2).
Identifiers: ClinVar variation 760636 (VCV000760636.11), dbSNP rs1366000832, ClinGen allele CA439287009.
Genomic context (GRCh38, chr4:54,273,615, plus strand): 5'-CTGGACTATTTTGGCCAACAATGTCTCAAACATCATCACGGAGATCCACTCCCGAGACAG[G>A]AGTACCGTGGAGGGCCGTGTGACTTTCGCCAAAGTGGAGGAGACCATCGCCGTGCGATGC-3'
Protein context (NP_006197.1, residues 471-491): NIITEIHSRD[Arg481=]STVEGRVTFA

ClinVar aggregate classification (germline): Benign/Likely benign. Review status: criteria provided, multiple submitters, no conflicts (2 of 4 stars). 3 submissions from 3 submitters: Benign (1); Likely benign (2). Last evaluated 2026-06-17.

Conditions:
Polyps, multiple and recurrent inflammatory fibroid, gastrointestinal. Identifiers: MedGen C5193005, MONDO:0008285, OMIM 175510.
Gastrointestinal stromal tumor. Also called: Gastrointestinal stromal tumor, somatic; Gastrointestinal stroma tumor. Identifiers: Orphanet 44890, MedGen C0238198, MeSH D046152, MONDO:0011719, OMIM 606764, HP:0100723.
Hereditary cancer-predisposing syndrome. Also called: Neoplastic Syndromes, Hereditary; Hereditary Cancer Syndrome; Hereditary neoplastic syndrome; Tumor predisposition. Identifiers: Orphanet 140162, MedGen C0027672, MeSH D009386, MONDO:0015356.

Allele frequency attached by ClinVar (database versions not stated): gnomAD exomes below 0.00001; gnomAD 0.00001.
gnomAD v4.1: 2 of 1,613,998 alleles (0.00012%); highest among the groups gnomAD compares: African/African-American, 0.0027%; no homozygotes.

Submissions (3):

Myriad Genetics, Inc.
Classification: Benign for Polyps, multiple and recurrent inflammatory fibroid, gastrointestinal. Last evaluated: 2026-06-17. Review status: criteria provided, single submitter. Criteria: Myriad Autosomal Dominant, Autosomal Recessive and X-Linked Classification Criteria (2023). Collection method: clinical testing. Allele origin: unknown.
Comment: This variant is considered benign. This variant is a silent/synonymous amino acid change and it is not expected to impact splicing.

Labcorp Genetics (formerly Invitae), Labcorp
Classification: Likely benign for Gastrointestinal stromal tumor. Last evaluated: 2025-10-29. Review status: criteria provided, single submitter. Criteria: Invitae Variant Classification Sherloc (09022015). Collection method: clinical testing. Allele origin: germline.

Ambry Genetics
Classification: Likely benign for Hereditary cancer-predisposing syndrome. Last evaluated: 2022-02-21. Review status: criteria provided, single submitter. Criteria: Ambry Variant Classification Scheme 2023. Collection method: clinical testing. Allele origin: germline.